The following is an entry in ClinVar:

NM_003098.3(SNTA1):c.327G>C (p.Lys109Asn)

Gene: SNTA1 (syntrophin alpha 1; minus strand). Cytogenetic location: 20q11.21.
Variant type: single nucleotide variant.
Coding change: c.327G>C on transcript NM_003098.3 (MANE Select); coding-DNA position 327, G replaced by C.
Protein change: p.Lys109Asn; replaces lysine 109 with asparagine.
Molecular consequence: missense variant.
Genome position (GRCh38, 1-based): chr20:33,439,010, C>G on the plus strand (G>C on the coding strand, the complement: SNTA1 is on the minus strand). VCF-style: chr20-33439010-C-G. GRCh37 (hg19) VCF-style: chr20-32026816-C-G.
Other names: short protein forms K109N.
Identifiers: ClinVar variation 1310685 (VCV001310685.6), dbSNP rs1280251666, ClinGen allele CA408633652.
Genomic context (GRCh38, chr20:33,439,010, plus strand): 5'-AAGGGCCTCTGTCTGGTCAGCTGCCAATCCCTTGAAGATCTTGGAAATGAGAATAGGCAT[C>G]TTGTTCTCCCGGCCGCCTGCACAGGTACAGAAGGAGGACAAGACTTAGGCAGATACTCCA-3'
Protein context (NP_003089.1, residues 99-119): GISIKGGREN[Lys109Asn]MPILISKIFK

ClinVar aggregate classification (germline): Uncertain significance. Review status: criteria provided, multiple submitters, no conflicts (2 of 4 stars). 3 submissions from 3 submitters: Uncertain significance (3). Last evaluated 2025-08-06.

Conditions:
Long QT syndrome (LQTS). Identifiers: MedGen C0023976, MeSH D008133, MONDO:0002442. Disease mechanism: loss of function. Inheritance: Various modes of inheritance.
Cardiovascular phenotype. Identifiers: MedGen CN230736.

Allele frequency attached by ClinVar (database versions not stated): gnomAD exomes below 0.00001 and 0.00003; gnomAD 0.00001; TOPMed 0.00001.
gnomAD v4.1: 40 of 1,614,074 alleles (0.0025%); highest among the groups gnomAD compares: Non-Finnish European, 0.0033%; no homozygotes.

Submissions (3):

Ambry Genetics
Classification: Uncertain significance for Cardiovascular phenotype. Last evaluated: 2025-08-06. Review status: criteria provided, single submitter. Criteria: Ambry Variant Classification Scheme 2023. Collection method: clinical testing. Allele origin: germline.

Labcorp Genetics (formerly Invitae), Labcorp
Classification: Uncertain significance for Long QT syndrome. Last evaluated: 2024-10-30. Review status: criteria provided, single submitter. Criteria: Invitae Variant Classification Sherloc (09022015). Collection method: clinical testing. Allele origin: germline.
Comment: This sequence change replaces lysine, which is basic and polar, with asparagine, which is neutral and polar, at codon 109 of the SNTA1 protein (p.Lys109Asn). This variant is present in population databases (no rsID available, gnomAD 0.002%). This variant has not been reported in the literature in individuals affected with SNTA1-related conditions. ClinVar contains an entry for this variant (Variation ID: 1310685). Invitae Evidence Modeling of protein sequence and biophysical properties (such as structural, functional, and spatial information, amino acid conservation, physicochemical variation, residue mobility, and thermodynamic stability) indicates that this missense variant is not expected to disrupt SNTA1 protein function with a negative predictive value of 80%. In summary, the available evidence is currently insufficient to determine the role of this variant in disease. Therefore, it has been classified as a Variant of Uncertain Significance.

GeneDx
Classification: Uncertain significance. Last evaluated: 2019-11-21. Review status: criteria provided, single submitter. Criteria: GeneDx Variant Classification Process June 2021. Collection method: clinical testing. Allele origin: germline. Affected: yes.
Comment: Has not been previously published as pathogenic or benign to our knowledge; Not observed at a significant frequency in large population cohorts (Lek et al., 2016); In silico analysis, which includes protein predictors and evolutionary conservation, supports a deleterious effect